The following is an entry in ClinVar:

ClinVar aggregate classification (germline): Uncertain significance. Review status: criteria provided, multiple submitters, no conflicts (2 of 4 stars). 2 submissions from 2 submitters: Uncertain significance (2). Last evaluated 2024-10-19.

Conditions:
Inborn genetic diseases. Identifiers: MedGen C0950123, MeSH D030342.
Autosomal dominant nocturnal frontal lobe epilepsy 5. Also called: KCNT1-Related Epilepsy; Epilepsy, nocturnal frontal lobe, 5; CILIARY DYSKINESIA, PRIMARY, 28, WITHOUT SITUS INVERSUS; CILIARY DYSKINESIA, PRIMARY, 28, WITH SITUS INVERSUS. Identifiers: Orphanet 98784, MedGen C3554306, MONDO:0014002, OMIM 615005.
Developmental and epileptic encephalopathy, 14 (DEE14). Also called: Early infantile epileptic encephalopathy 14. Identifiers: Orphanet 293181, MedGen C3554195, MONDO:0013989, OMIM 614959.

Allele frequency attached by ClinVar (database versions not stated): TOPMed below 0.00001; gnomAD 0.00001; gnomAD exomes below 0.00001.
gnomAD v4.1: 5 of 1,611,806 alleles (0.00031%); highest among the groups gnomAD compares: Non-Finnish European, 0.00034%; no homozygotes.

Submissions (2):

Ambry Genetics
Classification: Uncertain significance for Inborn genetic diseases. Last evaluated: 2024-10-19. Review status: criteria provided, single submitter. Criteria: Ambry Variant Classification Scheme 2023. Collection method: clinical testing. Allele origin: germline.

Labcorp Genetics (formerly Invitae), Labcorp
Classification: Uncertain significance for Autosomal dominant nocturnal frontal lobe epilepsy 5; Developmental and epileptic encephalopathy, 14. Last evaluated: 2021-12-03. Review status: criteria provided, single submitter. Criteria: Invitae Variant Classification Sherloc (09022015). Collection method: clinical testing. Allele origin: germline.
Comment: This sequence change replaces alanine, which is neutral and non-polar, with valine, which is neutral and non-polar, at codon 584 of the KCNT1 protein (p.Ala584Val). This variant is not present in population databases (gnomAD no frequency). This variant has not been reported in the literature in individuals affected with KCNT1-related conditions. Algorithms developed to predict the effect of missense changes on protein structure and function are either unavailable or do not agree on the potential impact of this missense change (SIFT: "Deleterious"; PolyPhen-2: "Benign"; Align-GVGD: "Class C0"). In summary, the available evidence is currently insufficient to determine the role of this variant in disease. Therefore, it has been classified as a Variant of Uncertain Significance.

NM_020822.3(KCNT1):c.1751C>T (p.Ala584Val)

Gene: KCNT1 (potassium sodium-activated channel subfamily T member 1; plus strand). Cytogenetic location: 9q34.3.
Variant type: single nucleotide variant.
Coding change: c.1751C>T on transcript NM_020822.3 (MANE Select); coding-DNA position 1751, C replaced by T.
Protein change: p.Ala584Val; replaces alanine 584 with valine.
Molecular consequence: missense variant.
Genome position (GRCh38, 1-based): chr9:135,770,429, C>T. VCF-style: chr9-135770429-C-T. GRCh37 (hg19) VCF-style: chr9-138662275-C-T.
Other names: c.1616C>T, p.Ala539Val (NM_001272003.2); c.1751C>T (NM_020822.2); short protein forms A584V, A539V.
Identifiers: ClinVar variation 1482304 (VCV001482304.7), dbSNP rs1423355423, ClinGen allele CA375506816.